The following is an entry in ClinVar:

NM_032578.4(MYPN):c.903-102T>C

Gene: MYPN (myopalladin; plus strand). Cytogenetic location: 10q21.3.
Variant type: single nucleotide variant.
Coding change: c.903-102T>C on transcript NM_032578.4 (MANE Select); 102 bases into the intron before coding-DNA position 903, T replaced by C.
Molecular consequence: intron variant.
Genome position (GRCh38, 1-based): chr10:68,142,838, T>C. VCF-style: chr10-68142838-T-C. GRCh37 (hg19) VCF-style: chr10-69902595-T-C.
Other names: c.903-102T>C (NM_001256267.2); c.21-102T>C (NM_001256268.2).
Identifiers: ClinVar variation 675989 (VCV000675989.1), dbSNP rs116204043, ClinGen allele CA208179964.

ClinVar aggregate classification (germline): Benign (1 of 4 stars; one submission).

Allele frequency attached by ClinVar (database versions not stated): gnomAD exomes 0.00171; gnomAD 0.01737 and 0.01866; TOPMed 0.01956; 1000 Genomes Project 0.02077; 1000 Genomes Project 30x 0.02202.
gnomAD v4.1: 4,405 of 1,131,896 alleles (0.39%); highest among the groups gnomAD compares: African/African-American, 6%; 136 homozygotes.

Submission:

GeneDx
Classification: Benign. Last evaluated: 2018-06-14. Review status: criteria provided, single submitter. Criteria: GeneDx Variant Classification (06012015). Collection method: clinical testing. Allele origin: germline. Affected: yes.
Comment: This variant is considered likely benign or benign based on one or more of the following criteria: it is a conservative change, it occurs at a poorly conserved position in the protein, it is predicted to be benign by multiple in silico algorithms, and/or has population frequency not consistent with disease.